The following is an entry in ClinVar:

ClinVar aggregate classification (germline): Uncertain significance (1 of 4 stars; one submission).

Conditions:
Periodic fever-infantile enterocolitis-autoinflammatory syndrome. Also called: Autoinflammation with infantile enterocolitis. Identifiers: Orphanet 436166, MedGen C4015067, MONDO:0014472, OMIM 616050.
Familial cold autoinflammatory syndrome 4 (FCAS4). Identifiers: Orphanet 47045, Orphanet 576349, MedGen C4015276, MONDO:0014498, OMIM 616115.

Submission:

Labcorp Genetics (formerly Invitae), Labcorp
Classification: Uncertain significance for Periodic fever-infantile enterocolitis-autoinflammatory syndrome; Familial cold autoinflammatory syndrome 4. Last evaluated: 2022-12-15. Review status: criteria provided, single submitter. Criteria: Invitae Variant Classification Sherloc (09022015). Collection method: clinical testing. Allele origin: germline.
Comment: This sequence change replaces alanine, which is neutral and non-polar, with glycine, which is neutral and non-polar, at codon 784 of the NLRC4 protein (p.Ala784Gly). This variant is not present in population databases (gnomAD no frequency). This variant has not been reported in the literature in individuals affected with NLRC4-related conditions. Algorithms developed to predict the effect of missense changes on protein structure and function (SIFT, PolyPhen-2, Align-GVGD) all suggest that this variant is likely to be tolerated. In summary, the available evidence is currently insufficient to determine the role of this variant in disease. Therefore, it has been classified as a Variant of Uncertain Significance.

NM_001199138.2(NLRC4):c.2351C>G (p.Ala784Gly)

Gene: NLRC4 (NLR family CARD domain containing 4; minus strand). Cytogenetic location: 2p22.3.
Variant type: single nucleotide variant.
Coding change: c.2351C>G on transcript NM_001199138.2 (MANE Select); coding-DNA position 2351, C replaced by G.
Protein change: p.Ala784Gly; replaces alanine 784 with glycine.
Molecular consequence: missense variant.
Genome position (GRCh38, 1-based): chr2:32,238,302, G>C on the plus strand (C>G on the coding strand, the complement: NLRC4 is on the minus strand). VCF-style: chr2-32238302-G-C. GRCh37 (hg19) VCF-style: chr2-32463371-G-C.
Other names: c.2351C>G, p.Ala784Gly (NM_001199139.2, NM_021209.5); c.356C>G, p.Ala119Gly (NM_001302504.2); short protein forms A784G, A119G.
Identifiers: ClinVar variation 2942105 (VCV002942105.3), dbSNP rs2466727156, ClinGen allele CA346509729.